The following is an entry in ClinVar:

NM_012452.3(TNFRSF13B):c.61+1G>T

Gene: TNFRSF13B (TNF receptor superfamily member 13B; minus strand). Cytogenetic location: 17p11.2.
Variant type: single nucleotide variant.
Coding change: c.61+1G>T on transcript NM_012452.3 (MANE Select); the canonical splice donor site of the intron after coding-DNA position 61, G replaced by T.
Molecular consequence: splice donor variant.
Genome position (GRCh38, 1-based): chr17:16,972,014, C>A on the plus strand (G>T on the coding strand, the complement: TNFRSF13B is on the minus strand). VCF-style: chr17-16972014-C-A. GRCh37 (hg19) VCF-style: chr17-16875328-C-A.
Identifiers: ClinVar variation 647267 (VCV000647267.9), dbSNP rs1016142312, ClinGen allele CA398520576.
Genomic context (GRCh38, chr17:16,972,014, plus strand): 5'-TCAGGCCCAACCCTCCTCACACCTCCCACCTGCCCTCCTGCCCTCCTGCCCGGCTACTCA[C>A]AGCGCTCCTCCTGGTCCACACGGCTCCGGCCACCTCGCCTGCTCCGGCCCAGGCCACTCA-3'

ClinVar aggregate classification (germline): Pathogenic. Review status: criteria provided, multiple submitters, no conflicts (2 of 4 stars). 2 submissions from 2 submitters: Pathogenic (2). Last evaluated 2024-03-17.

Conditions:
Immunodeficiency, common variable, 2 (CVID2). Also called: HYPOGAMMAGLOBULINEMIA DUE TO TACI DEFICIENCY; ANTIBODY DEFICIENCY DUE TO TACI DEFECT. Identifiers: Orphanet 1572, MedGen C3150354, MONDO:0009413, OMIM 240500.

gnomAD v4.1: 1 of 1,614,182 alleles (0.000062%); highest among the groups gnomAD compares: South Asian, 0.0011%; no homozygotes.

Submissions (2):

Genomic Medicine Center of Excellence, King Faisal Specialist Hospital and Research Centre
Classification: Pathogenic for Immunodeficiency, common variable, 2. Last evaluated: 2024-03-17. Review status: criteria provided, single submitter. Criteria: ACMG Guidelines, 2015. Collection method: research. Allele origin: germline.

Labcorp Genetics (formerly Invitae), Labcorp
Classification: Pathogenic for Immunodeficiency, common variable, 2. Last evaluated: 2018-09-19. Review status: criteria provided, single submitter. Criteria: Invitae Variant Classification Sherloc (09022015). Collection method: clinical testing. Allele origin: germline.
Comment: For these reasons, this variant has been classified as Pathogenic. Donor and acceptor splice site variants typically lead to a loss of protein function (PMID: 16199547), and loss-of-function variants in TNFRSF13B are known to be pathogenic (PMID: 16007087, 27123465). Experimental studies have shown that this variant abolishes TNFRSF13B expression (PMID: 19629655). This variant has been observed in an individual affected with common variable immunodeficiency (PMID: 19629655). This variant is not present in population databases (ExAC no frequency). This sequence change affects a donor splice site in intron 1 of the TNFRSF13B gene. It is expected to disrupt RNA splicing and likely results in an absent or disrupted protein product.

Literature cited by the submitters: PubMed 16199547 (cited by Labcorp Genetics (formerly Invitae), Labcorp); PubMed 16007087 (cited by Labcorp Genetics (formerly Invitae), Labcorp); PubMed 27123465 (cited by Labcorp Genetics (formerly Invitae), Labcorp); PubMed 19629655 (cited by Labcorp Genetics (formerly Invitae), Labcorp).